The following is an entry in ClinVar:

NM_001458.5(FLNC):c.5072ATGTGG[3] (p.Val1694_Val1695insAspVal)

Gene: FLNC (filamin C; plus strand). Cytogenetic location: 7q32.1.
Variant type: Microsatellite.
Coding change: c.5072ATGTGG[3] on transcript NM_001458.5 (MANE Select); three copies in a row of the 6-base unit ATGTGG starting at c.5072; the reference has two copies in a row; one copy, 6 bases duplicated.
Protein change: p.Val1694_Val1695insAspVal.
Molecular consequence: inframe indel (on NM_001458.4).
Genome position (GRCh38, 1-based): chr7:128,849,457-128,849,462, ATGTGG duplicated; duplicating any 6 consecutive bases within chr7:128,849,450-128,849,462 gives the same sequence; the position shown is the placement nearest the transcript's 3' end. VCF-style (leftmost placement, unchanged base first): chr7-128849449-C-CGATGTG. GRCh37 (hg19) VCF-style: chr7-128489503-C-CGATGTG.
Other names: c.5072ATGTGG[3], p.Val1694_Val1695insAspVal (NM_001127487.2); c.5072_5077ATGTGG[3], p.Val1694_Val1695insAspVal (NM_001458.4); c.5078_5083dupATGTGG (NM_001458.4).
Identifiers: ClinVar variation 4258264 (VCV004258264.1).

ClinVar aggregate classification (germline): Uncertain significance (1 of 4 stars; one submission).

Conditions:
Cardiovascular phenotype. Identifiers: MedGen CN230736.

Submission:

Ambry Genetics
Classification: Uncertain significance for Cardiovascular phenotype. Last evaluated: 2025-06-16. Review status: criteria provided, single submitter. Criteria: Ambry Variant Classification Scheme 2023. Collection method: clinical testing. Allele origin: germline.
Comment: The c.5078_5083dupATGTGG variant (also known as p.D1693_V1694dup), located in coding exon 30 of the FLNC gene, results from an in-frame duplication of ATGTGG at nucleotide positions 5078 to 5083. This results in the duplication of 2 extra residues (DV) between codons 1693 and 1694. This variant was reported in individual(s) with features consistent with hypertrophic cardiomyopathy (Ambry internal data). These amino acid positions are highly conserved in available vertebrate species. In addition, this variant is predicted to be deleterious by in silico analysis (Choi Y et al. PLoS ONE. 2012; 7(10):e46688). Based on the available evidence, the clinical significance of this variant remains unclear.